The following is an entry in ClinVar:

NM_005751.5(AKAP9):c.5251C>T (p.Arg1751Cys)

Gene: AKAP9 (A-kinase anchoring protein 9; plus strand). Cytogenetic location: 7q21.2.
Variant type: single nucleotide variant.
Coding change: c.5251C>T on transcript NM_005751.5 (MANE Select); coding-DNA position 5251, C replaced by T.
Protein change: p.Arg1751Cys; replaces arginine 1751 with cysteine.
Molecular consequence: missense variant.
Genome position (GRCh38, 1-based): chr7:92,045,096, C>T. VCF-style: chr7-92045096-C-T. GRCh37 (hg19) VCF-style: chr7-91674410-C-T.
Other names: c.5251C>T, p.Arg1751Cys (NM_147185.3); short protein forms R1751C.
Identifiers: ClinVar variation 412019 (VCV000412019.16), dbSNP rs144269839, ClinGen allele CA4336758.

ClinVar aggregate classification (germline): Conflicting classifications of pathogenicity. Review status: criteria provided, conflicting classifications (1 of 4 stars). 4 submissions from 4 submitters: Uncertain significance (3); Likely benign (1). Last evaluated 2026-02-03.

Conditions:
Cardiovascular phenotype. Identifiers: MedGen CN230736.
Long QT syndrome (LQTS). Identifiers: MedGen C0023976, MeSH D008133, MONDO:0002442. Disease mechanism: loss of function. Inheritance: Various modes of inheritance.
Long QT syndrome 11 (LQT11). Identifiers: Orphanet 101016, Orphanet 768, MedGen C2678483, MONDO:0012738, OMIM 611820.

Allele frequency attached by ClinVar (database versions not stated): gnomAD exomes 0.00004 and 0.00002; ESP Exome Variant Server 0.00008; TOPMed 0.00007; ExAC 0.00006; gnomAD 0.00004.
gnomAD v4.1: 45 of 1,613,162 alleles (0.0028%); highest among the groups gnomAD compares: Middle Eastern, 0.033%; no homozygotes.

Submissions (4):

Labcorp Genetics (formerly Invitae), Labcorp
Classification: Uncertain significance for Long QT syndrome. Last evaluated: 2026-02-03. Review status: criteria provided, single submitter. Criteria: Invitae Variant Classification Sherloc (09022015). Collection method: clinical testing. Allele origin: germline.
Comment: This sequence change replaces arginine, which is basic and polar, with cysteine, which is neutral and slightly polar, at codon 1751 of the AKAP9 protein (p.Arg1751Cys). This variant is present in population databases (rs144269839, gnomAD 0.02%). This variant has not been reported in the literature in individuals affected with AKAP9-related conditions. ClinVar contains an entry for this variant (Variation ID: 412019). An algorithm developed to predict the effect of missense changes on protein structure and function outputs the following: PolyPhen-2: "Possibly Damaging". The cysteine amino acid residue is found in multiple mammalian species, which suggests that this missense change does not adversely affect protein function. In summary, the available evidence is currently insufficient to determine the role of this variant in disease. Therefore, it has been classified as a Variant of Uncertain Significance.

Ambry Genetics
Classification: Likely benign for Cardiovascular phenotype. Last evaluated: 2023-05-23. Review status: criteria provided, single submitter. Criteria: Ambry Variant Classification Scheme 2023. Collection method: clinical testing. Allele origin: germline.

Fulgent Genetics
Classification: Uncertain significance for Long QT syndrome 11. Last evaluated: 2021-12-28. Review status: criteria provided, single submitter. Criteria: ACMG Guidelines, 2015. Collection method: clinical testing. Allele origin: unknown.

Stanford Center for Inherited Cardiovascular Disease, Stanford University
Classification: Uncertain significance. Last evaluated: 2016-06-06. Review status: criteria provided, single submitter. Criteria: ACMG Guidelines, 2015. Collection method: provider interpretation. Allele origin: germline.